The following is an entry in ClinVar:

ClinVar aggregate classification (germline): Benign. Review status: criteria provided, multiple submitters, no conflicts (2 of 4 stars). 8 submissions from 8 submitters: Benign (8). Last evaluated 2026-02-02.

Conditions:
Neuropathy, hereditary sensory and autonomic, type 2A (HSAN2A). Also called: ACROOSTEOLYSIS, GIACCAI TYPE; ACROOSTEOLYSIS, NEUROGENIC; MORVAN DISEASE; NEUROPATHY, CONGENITAL SENSORY; NEUROPATHY, HEREDITARY SENSORY RADICULAR, AUTOSOMAL RECESSIVE; NEUROPATHY, HEREDITARY SENSORY, TYPE IIA. Identifiers: Orphanet 970, MedGen C2752089, MONDO:0024309, OMIM 201300.
Pseudohypoaldosteronism type 2C (PHA2C). Also called: Pseudohypoaldosteronism Type IIC. Identifiers: Orphanet 757, Orphanet 88940, MedGen C1840391, MONDO:0013778, OMIM 614492.

Allele frequency attached by ClinVar (database versions not stated): gnomAD 0.01514 and 0.01649; 1000 Genomes Project 30x 0.01562; gnomAD exomes 0.00159 and 0.00403; ExAC 0.00465; 1000 Genomes Project 0.01378; ESP Exome Variant Server 0.01662; TOPMed 0.01742.
gnomAD v4.1: 4,756 of 1,612,272 alleles (0.29%); highest among the groups gnomAD compares: African/African-American, 5.2%; 100 homozygotes.

Submissions (8):

Labcorp Genetics (formerly Invitae), Labcorp
Classification: Benign for Neuropathy, hereditary sensory and autonomic, type 2A; Pseudohypoaldosteronism type 2C. Last evaluated: 2026-02-02. Review status: criteria provided, single submitter. Criteria: Invitae Variant Classification Sherloc (09022015). Collection method: clinical testing. Allele origin: germline.

Mayo Clinic Laboratories, Mayo Clinic
Classification: Benign. Last evaluated: 2023-04-03. Review status: criteria provided, single submitter. Criteria: ACMG Guidelines, 2015. Collection method: clinical testing. Allele origin: germline. Observed: 20 variant alleles.

Fulgent Genetics
Classification: Benign for Neuropathy, hereditary sensory and autonomic, type 2A; Pseudohypoaldosteronism type 2C. Last evaluated: 2021-11-09. Review status: criteria provided, single submitter. Criteria: ACMG Guidelines, 2015. Collection method: clinical testing. Allele origin: unknown.

ARUP Laboratories, Molecular Genetics and Genomics, ARUP Laboratories
Classification: Benign. Last evaluated: 2020-08-10. Review status: criteria provided, single submitter. Criteria: ARUP Molecular Germline Variant Investigation Process. Collection method: clinical testing. Allele origin: germline.

Athena Diagnostics
Classification: Benign. Last evaluated: 2020-03-24. Review status: criteria provided, single submitter. Criteria: Athena Diagnostics Criteria. Collection method: clinical testing. Allele origin: unknown.

GeneDx
Classification: Benign. Last evaluated: 2018-07-15. Review status: criteria provided, single submitter. Criteria: GeneDx Variant Classification Process June 2021. Collection method: clinical testing. Allele origin: germline. Affected: yes.

Illumina Laboratory Services, Illumina
Classification: Benign for Pseudohypoaldosteronism type 2C. Last evaluated: 2018-01-12. Review status: criteria provided, single submitter. Criteria: ICSL Variant Classification Criteria 13 December 2019. Collection method: clinical testing. Allele origin: germline.
Comment: This variant was observed in the ICSL laboratory as part of a predisposition screen in an ostensibly healthy population. It had not been previously curated by ICSL or reported in the Human Gene Mutation Database (HGMD: prior to June 1st, 2018), and was therefore a candidate for classification through an automated scoring system. Utilizing variant allele frequency, disease prevalence and penetrance estimates, and inheritance mode, an automated score was calculated to assess if this variant is too frequent to cause the disease. Based on the score and internal cut-off values, a variant classified as benign is not then subjected to further curation. The score for this variant resulted in a classification of benign for this disease.

Breakthrough Genomics
Classification: Benign. Review status: criteria provided, single submitter. Criteria: ACMG Guidelines, 2015. Collection method: not provided. Allele origin: germline. Inheritance: Autosomal recessive inheritance. Affected: yes.

NM_018979.4(WNK1):c.1526T>C (p.Ile509Thr)

Gene: WNK1 (WNK lysine deficient protein kinase 1; plus strand). Cytogenetic location: 12p13.33.
Variant type: single nucleotide variant.
Coding change: c.1526T>C on transcript NM_018979.4 (MANE Select); coding-DNA position 1526, T replaced by C.
Protein change: p.Ile509Thr; replaces isoleucine 509 with threonine.
Molecular consequence: missense variant.
Genome position (GRCh38, 1-based): chr12:859,370, T>C. VCF-style: chr12-859370-T-C. GRCh37 (hg19) VCF-style: chr12-968536-T-C.
Other names: c.1526T>C, p.Ile509Thr (NM_001184985.2, NM_014823.3, NM_213655.5); short protein forms I509T.
Identifiers: ClinVar variation 310738 (VCV000310738.27), dbSNP rs34728563, ClinGen allele CA6381979.
Genomic context (GRCh38, chr12:859,370, plus strand): 5'-TAGCAGAAGAAGATGATGGAGAAAAAATAGCCATAAAATTATGGCTACGTATTGAAGATA[T>C]TAAGAAATTAAAGGGAAAATACAAAGATAATGAAGCTATTGAGTTTTCTTTTGATTTAGA-3'
Protein context (NP_061852.3, residues 499-519): AIKLWLRIED[Ile509Thr]KKLKGKYKDN